The following is an entry in ClinVar:

NM_033380.3(COL4A5):c.538G>A (p.Gly180Arg)

Gene: COL4A5 (collagen type IV alpha 5 chain; plus strand). Cytogenetic location: Xq22.3.
Variant type: single nucleotide variant.
Coding change: c.538G>A on transcript NM_033380.3 (MANE Select); coding-DNA position 538, G replaced by A.
Protein change: p.Gly180Arg; replaces glycine 180 with arginine.
Molecular consequence: missense variant.
Genome position (GRCh38, 1-based): chrX:108,573,646, G>A. VCF-style: chrX-108573646-G-A. GRCh37 (hg19) VCF-style: chrX-107816876-G-A.
Other names: c.538G>A, p.Gly180Arg (NM_000495.5); short protein forms G180R.
Identifiers: ClinVar variation 1804102 (VCV001804102.2), dbSNP rs281874755, ClinGen allele CA258262.

ClinVar aggregate classification (germline): Likely pathogenic. Review status: criteria provided, multiple submitters, no conflicts (2 of 4 stars). 2 submissions from 2 submitters: Likely pathogenic (2). Last evaluated 2026-08-01.

Conditions:
X-linked Alport syndrome (ATS1). Also called: NEPHROPATHY AND DEAFNESS, X-LINKED; COL4A5-Related Nephropathy. Identifiers: Orphanet 63, Orphanet 88917, MedGen C4746986, MONDO:0010520, OMIM 301050.

Submissions (2):

CeGaT Center for Human Genetics Tuebingen
Classification: Likely pathogenic. Last evaluated: 2026-08-01. Review status: criteria provided, single submitter. Criteria: CeGaT Center For Human Genetics Tuebingen Variant Classification Criteria Version 2. Collection method: clinical testing. Allele origin: germline. Affected: yes. Observed: 1 variant allele.
Comment: COL4A5: PM1:Strong, PM2, PM5, PP3

Institute of Human Genetics Munich, TUM University Hospital
Classification: Likely pathogenic for X-linked Alport syndrome. Last evaluated: 2022-08-01. Review status: criteria provided, single submitter. Criteria: Classification criteria August 2017. Collection method: clinical testing. Allele origin: germline. Inheritance: X-linked inheritance. Affected: yes. Observed: 1 variant allele.